The following is an entry in ClinVar:

ClinVar aggregate classification (germline): Uncertain significance. Review status: criteria provided, multiple submitters, no conflicts (2 of 4 stars). 2 submissions from 2 submitters: Uncertain significance (2). Last evaluated 2024-09-30.

Conditions:
Hypertrophic cardiomyopathy. Also called: HYPERTROPHIC MYOCARDIOPATHY. Identifiers: Orphanet 217569, MedGen C0007194, MeSH D002312, MONDO:0005045, HP:0001639.

gnomAD v4.1: 9 of 1,613,004 alleles (0.00056%); highest among the groups gnomAD compares: Non-Finnish European, 0.00076%; no homozygotes.

Submissions (2):

Ambry Genetics
Classification: Uncertain significance. Last evaluated: 2024-09-30. Review status: criteria provided, single submitter. Criteria: Ambry Variant Classification Scheme 2023. Collection method: clinical testing. Allele origin: germline.
Comment: The p.G635D variant (also known as c.1904G>A), located in coding exon 13 of the MYOM1 gene, results from a G to A substitution at nucleotide position 1904. The glycine at codon 635 is replaced by aspartic acid, an amino acid with similar properties. This amino acid position is conserved. In addition, the in silico prediction for this alteration is inconclusive. Based on the available evidence, the clinical significance of this variant remains unclear.

Labcorp Genetics (formerly Invitae), Labcorp
Classification: Uncertain significance for Hypertrophic cardiomyopathy. Last evaluated: 2022-01-19. Review status: criteria provided, single submitter. Criteria: Invitae Variant Classification Sherloc (09022015). Collection method: clinical testing. Allele origin: germline.
Comment: In summary, the available evidence is currently insufficient to determine the role of this variant in disease. Therefore, it has been classified as a Variant of Uncertain Significance. Algorithms developed to predict the effect of missense changes on protein structure and function are either unavailable or do not agree on the potential impact of this missense change (SIFT: "Deleterious"; PolyPhen-2: "Probably Damaging"; Align-GVGD: "Class C0"). This variant has not been reported in the literature in individuals affected with MYOM1-related conditions. This variant is not present in population databases (gnomAD no frequency). This sequence change replaces glycine, which is neutral and non-polar, with aspartic acid, which is acidic and polar, at codon 635 of the MYOM1 protein (p.Gly635Asp).

NM_003803.4(MYOM1):c.1904G>A (p.Gly635Asp)

Gene: MYOM1 (myomesin 1; minus strand). Cytogenetic location: 18p11.31.
Variant type: single nucleotide variant.
Coding change: c.1904G>A on transcript NM_003803.4 (MANE Select); coding-DNA position 1904, G replaced by A.
Protein change: p.Gly635Asp; replaces glycine 635 with aspartic acid.
Molecular consequence: missense variant.
Genome position (GRCh38, 1-based): chr18:3,142,060, C>T on the plus strand (G>A on the coding strand, the complement: MYOM1 is on the minus strand). VCF-style: chr18-3142060-C-T. GRCh37 (hg19) VCF-style: chr18-3142058-C-T.
Other names: c.1904G>A, p.Gly635Asp (NM_019856.2); short protein forms G635D.
Identifiers: ClinVar variation 2088160 (VCV002088160.6), dbSNP rs766918368, ClinGen allele CA401713825.